The following is an entry in ClinVar:

ClinVar aggregate classification (germline): Benign (1 of 4 stars; one submission).

Allele frequency attached by ClinVar (database versions not stated): gnomAD 0.01601 and 0.01726; 1000 Genomes Project 0.01677; TOPMed 0.01870; 1000 Genomes Project 30x 0.01983.
gnomAD v4.1: 2,416 of 152,210 alleles (1.6%); highest among the groups gnomAD compares: African/African-American, 5.5%; 64 homozygotes.

Submission:

GeneDx
Classification: Benign. Last evaluated: 2018-06-16. Review status: criteria provided, single submitter. Criteria: GeneDx Variant Classification (06012015). Collection method: clinical testing. Allele origin: germline. Affected: yes.
Comment: This variant is considered likely benign or benign based on one or more of the following criteria: it is a conservative change, it occurs at a poorly conserved position in the protein, it is predicted to be benign by multiple in silico algorithms, and/or has population frequency not consistent with disease.

NM_004522.3(KIF5C):c.2024-297G>A

Gene: KIF5C (kinesin family member 5C; plus strand). Cytogenetic location: 2q23.1.
Variant type: single nucleotide variant.
Coding change: c.2024-297G>A on transcript NM_004522.3 (MANE Select); 297 bases into the intron before coding-DNA position 2024, G replaced by A.
Molecular consequence: intron variant.
Genome position (GRCh38, 1-based): chr2:148,996,967, G>A. VCF-style: chr2-148996967-G-A. GRCh37 (hg19) VCF-style: chr2-149853481-G-A.
Identifiers: ClinVar variation 673858 (VCV000673858.1), dbSNP rs6747505, ClinGen allele CA57592886.